The following is an entry in ClinVar:

ClinVar aggregate classification (germline): Uncertain significance (1 of 4 stars; one submission).

Conditions:
3-methylglutaconic aciduria, type VIIB (MGCA7B). Also called: 3-methylglutaconic aciduria with cataracts, neurologic involvement and neutropenia; CLPB Deficiency; 3-methylglutaconic aciduria, type VII, with cataracts, neurologic involvement and neutropenia. Identifiers: Orphanet 445038, MedGen C5676893, MONDO:0014561, OMIM 616271.

Allele frequency attached by ClinVar (database versions not stated): gnomAD exomes 0.00001 and 0.00003; gnomAD 0.00002; TOPMed 0.00002; ExAC 0.00003.
gnomAD v4.1: 22 of 1,613,880 alleles (0.0014%); highest among the groups gnomAD compares: South Asian, 0.0022%; no homozygotes.

Submission:

Labcorp Genetics (formerly Invitae), Labcorp
Classification: Uncertain significance for 3-methylglutaconic aciduria, type VIIB. Last evaluated: 2025-12-15. Review status: criteria provided, single submitter. Criteria: Invitae Variant Classification Sherloc (09022015). Collection method: clinical testing. Allele origin: germline.
Comment: This sequence change replaces arginine, which is basic and polar, with cysteine, which is neutral and slightly polar, at codon 546 of the CLPB protein (p.Arg546Cys). This variant is present in population databases (rs748289105, gnomAD 0.03%). This variant has not been reported in the literature in individuals affected with CLPB-related conditions. ClinVar contains an entry for this variant (Variation ID: 645642). An algorithm developed to predict the effect of missense changes on protein structure and function (PolyPhen-2) suggests that this variant is likely to be disruptive. In summary, the available evidence is currently insufficient to determine the role of this variant in disease. Therefore, it has been classified as a Variant of Uncertain Significance.

NM_001258392.3(CLPB):c.1546C>T (p.Arg516Cys)

Gene: CLPB (ClpB family mitochondrial disaggregase; minus strand). Cytogenetic location: 11q13.4.
Variant type: single nucleotide variant.
Coding change: c.1546C>T on transcript NM_001258392.3 (MANE Select); coding-DNA position 1546, C replaced by T.
Protein change: p.Arg516Cys; replaces arginine 516 with cysteine.
Molecular consequence: missense variant.
Genome position (GRCh38, 1-based): chr11:72,294,634, G>A on the plus strand (C>T on the coding strand, the complement: CLPB is on the minus strand). VCF-style: chr11-72294634-G-A. GRCh37 (hg19) VCF-style: chr11-72005678-G-A.
Other names: c.1459C>T, p.Arg487Cys (NM_001258393.3); c.1501C>T, p.Arg501Cys (NM_001258394.3); c.1636C>T, p.Arg546Cys (NM_030813.6); short protein forms R487C, R516C, R546C, R501C.
Identifiers: ClinVar variation 645642 (VCV000645642.9), dbSNP rs748289105, ClinGen allele CA6171133.